The following is an entry in ClinVar:

NM_020433.5(JPH2):c.1682C>T (p.Ala561Val)

Gene: JPH2 (junctophilin 2; minus strand). Cytogenetic location: 20q13.12.
Variant type: single nucleotide variant.
Coding change: c.1682C>T on transcript NM_020433.5 (MANE Select); coding-DNA position 1682, C replaced by T.
Protein change: p.Ala561Val; replaces alanine 561 with valine.
Molecular consequence: missense variant.
Genome position (GRCh38, 1-based): chr20:44,115,993, G>A on the plus strand (C>T on the coding strand, the complement: JPH2 is on the minus strand). VCF-style: chr20-44115993-G-A. GRCh37 (hg19) VCF-style: chr20-42744633-G-A.
Other names: short protein forms A561V.
Identifiers: ClinVar variation 1777937 (VCV001777937.9), dbSNP rs749992945, ClinGen allele CA9868636.

ClinVar aggregate classification (germline): Uncertain significance. Review status: criteria provided, multiple submitters, no conflicts (2 of 4 stars). 3 submissions from 3 submitters: Uncertain significance (3). Last evaluated 2026-02-20.

Conditions:
Cardiovascular phenotype. Identifiers: MedGen CN230736.
JPH2-related disorder. Also called: JPH2-related condition.
Hypertrophic cardiomyopathy. Also called: HYPERTROPHIC MYOCARDIOPATHY. Identifiers: Orphanet 217569, MedGen C0007194, MeSH D002312, MONDO:0005045, HP:0001639.

gnomAD v4.1: 14 of 1,578,384 alleles (0.00089%); highest among the groups gnomAD compares: African/African-American, 0.0094%; no homozygotes.

Submissions (3):

PreventionGenetics, part of Exact Sciences
Classification: Uncertain significance for JPH2-related condition. Last evaluated: 2026-02-20. Review status: criteria provided, single submitter. Criteria: ACMG Guidelines, 2015. Collection method: clinical testing. Allele origin: germline.
Comment: The JPH2 c.1682C>T variant is predicted to result in the amino acid substitution p.Ala561Val. To our knowledge, this variant has not been reported in the literature. This variant is reported in 0.011% of alleles in individuals of African descent in gnomAD. At this time, the clinical significance of this variant is uncertain due to the absence of conclusive functional and genetic evidence.

Ambry Genetics
Classification: Uncertain significance for Cardiovascular phenotype. Last evaluated: 2025-10-11. Review status: criteria provided, single submitter. Criteria: Ambry Variant Classification Scheme 2023. Collection method: clinical testing. Allele origin: germline.
Comment: The p.A561V variant (also known as c.1682C>T), located in coding exon 4 of the JPH2 gene, results from a C to T substitution at nucleotide position 1682. The alanine at codon 561 is replaced by valine, an amino acid with similar properties. This amino acid position is conserved. In addition, this alteration is predicted to be tolerated by in silico analysis. Since supporting evidence is limited at this time, the clinical significance of this alteration remains unclear.

Labcorp Genetics (formerly Invitae), Labcorp
Classification: Uncertain significance for Hypertrophic cardiomyopathy. Last evaluated: 2024-12-11. Review status: criteria provided, single submitter. Criteria: Invitae Variant Classification Sherloc (09022015). Collection method: clinical testing. Allele origin: germline.
Comment: This sequence change replaces alanine, which is neutral and non-polar, with valine, which is neutral and non-polar, at codon 561 of the JPH2 protein (p.Ala561Val). This variant is present in population databases (rs749992945, gnomAD 0.01%). This variant has not been reported in the literature in individuals affected with JPH2-related conditions. ClinVar contains an entry for this variant (Variation ID: 1777937). An algorithm developed to predict the effect of missense changes on protein structure and function (PolyPhen-2) suggests that this variant is likely to be tolerated. In summary, the available evidence is currently insufficient to determine the role of this variant in disease. Therefore, it has been classified as a Variant of Uncertain Significance.